The following is an entry in ClinVar:

NM_000143.4(FH):c.1173T>C (p.His391=)

Gene: FH (fumarate hydratase; minus strand). Cytogenetic location: 1q43.
Variant type: single nucleotide variant.
Coding change: c.1173T>C on transcript NM_000143.4 (MANE Select); coding-DNA position 1173, T replaced by C.
Protein change: p.His391=; no amino-acid change (histidine 391 retained).
Molecular consequence: synonymous variant.
Genome position (GRCh38, 1-based): chr1:241,502,506, A>G on the plus strand (T>C on the coding strand, the complement: FH is on the minus strand). VCF-style: chr1-241502506-A-G. GRCh37 (hg19) VCF-style: chr1-241665806-A-G.
Identifiers: ClinVar variation 753463 (VCV000753463.20), dbSNP rs199638673, ClinGen allele CA1478533.

ClinVar aggregate classification (germline): Benign/Likely benign. Review status: criteria provided, multiple submitters, no conflicts (2 of 4 stars). 4 submissions from 4 submitters: Benign (1); Likely benign (3). Last evaluated 2025-09-23.

Conditions:
Hereditary leiomyomatosis and renal cell cancer. Also called: Reed syndrome; Multiple cutaneous and uterine leiomyomatosis; Cutaneous leiomyomata with uterine leiomyomata; Leiomyoma, hereditary multiple, of skin; Multiple cutaneous and uterine leiomyomata; Multiple cutaneous leiomyomas. Identifiers: Orphanet 523, MedGen C1708350, MONDO:0007888, OMIM 150800, HP:0007437. Disease mechanism: loss of function.
Hereditary cancer-predisposing syndrome. Also called: Hereditary Cancer Syndrome; Tumor predisposition; Hereditary neoplastic syndrome; Neoplastic Syndromes, Hereditary. Identifiers: Orphanet 140162, MedGen C0027672, MeSH D009386, MONDO:0015356.

Allele frequency attached by ClinVar (database versions not stated): TOPMed below 0.00001; gnomAD 0.00001; gnomAD exomes 0.00001; ExAC 0.00002.
gnomAD v4.1: 7 of 1,613,958 alleles (0.00043%); highest among the groups gnomAD compares: Non-Finnish European, 0.00042%; no homozygotes.

Submissions (4):

Labcorp Genetics (formerly Invitae), Labcorp
Classification: Likely benign. Last evaluated: 2025-09-23. Review status: criteria provided, single submitter. Criteria: Invitae Variant Classification Sherloc (09022015). Collection method: clinical testing. Allele origin: germline.

CeGaT Center for Human Genetics Tuebingen
Classification: Likely benign. Last evaluated: 2025-09-01. Review status: criteria provided, single submitter. Criteria: CeGaT Center For Human Genetics Tuebingen Variant Classification Criteria Version 2. Collection method: clinical testing. Allele origin: germline. Affected: yes. Observed: 1 variant allele.
Comment: FH: BP4, BP7

Myriad Genetics, Inc.
Classification: Benign for Hereditary leiomyomatosis and renal cell cancer. Last evaluated: 2024-10-21. Review status: criteria provided, single submitter. Criteria: Myriad Autosomal Dominant, Autosomal Recessive and X-Linked Classification Criteria (2023). Collection method: clinical testing. Allele origin: unknown.
Comment: This variant is considered benign. This variant is a silent/synonymous amino acid change and it is not expected to impact splicing.

Ambry Genetics
Classification: Likely benign for Hereditary cancer-predisposing syndrome. Last evaluated: 2023-09-11. Review status: criteria provided, single submitter. Criteria: Ambry Variant Classification Scheme 2023. Collection method: clinical testing. Allele origin: germline.